The following is an entry in ClinVar:

ClinVar aggregate classification (germline): Uncertain significance (1 of 4 stars; one submission).

Allele frequency attached by ClinVar (database versions not stated): gnomAD 0.00001; gnomAD exomes 0.00001 and 0.00002; TOPMed 0.00001.
gnomAD v4.1: 17 of 1,613,882 alleles (0.0011%); highest among the groups gnomAD compares: Admixed American, 0.0033%; no homozygotes.

Submission:

GeneDx
Classification: Uncertain significance. Last evaluated: 2016-11-01. Review status: criteria provided, single submitter. Criteria: GeneDx Variant Classification (06012015). Collection method: clinical testing. Allele origin: germline. Affected: yes.
Comment: The S543L variant in the ADCY1 gene has not been reported previously as a pathogenic variant, nor as a benign variant, to our knowledge. The S543L variant was not observed in approximately 6500 individuals of European and African American ancestry in the NHLBI Exome Sequencing Project, indicating it is not a common benign variant in these populations. The S543L variant is a non-conservative amino acid substitution, which is likely to impact secondary protein structure as these residues differ in polarity, charge, size and/or other properties. This substitution also occurs at a position that is conserved across mammalian species. However, in silico analysis is inconsistent in its predictions as to whether or not the variant is damaging to the protein structure/function. We interpret S543L as a variant of uncertain significance.

NM_021116.4(ADCY1):c.1628C>T (p.Ser543Leu)

Gene: ADCY1 (adenylate cyclase 1; plus strand). Cytogenetic location: 7p12.3.
Variant type: single nucleotide variant.
Coding change: c.1628C>T on transcript NM_021116.4 (MANE Select); coding-DNA position 1628, C replaced by T.
Protein change: p.Ser543Leu; replaces serine 543 with leucine.
Molecular consequence: missense variant.
Genome position (GRCh38, 1-based): chr7:45,677,891, C>T. VCF-style: chr7-45677891-C-T. GRCh37 (hg19) VCF-style: chr7-45717490-C-T.
Other names: short protein forms S543L.
Identifiers: ClinVar variation 390469 (VCV000390469.2), dbSNP rs1057523779, ClinGen allele CA16605110.
Genomic context (GRCh38, chr7:45,677,891, plus strand): 5'-AATTTGATGATACTCCTTTATTTCCATGATGGCTCCAGCGGAGGGCATTAAGAACAGCCT[C>T]GGAAAAACTCAGAAACCGCTCATCTTTTTCTACCAACGTTGTCTACACCACCCCGGGCAC-3'
Protein context (NP_066939.1, residues 533-553): DDKRRALRTA[Ser543Leu]EKLRNRSSFS